The following is an entry in ClinVar:

NM_004369.4(COL6A3):c.3127G>A (p.Gly1043Ser)

Gene: COL6A3 (collagen type VI alpha 3 chain; minus strand). Cytogenetic location: 2q37.3.
Variant type: single nucleotide variant.
Coding change: c.3127G>A on transcript NM_004369.4 (MANE Select); coding-DNA position 3127, G replaced by A.
Protein change: p.Gly1043Ser; replaces glycine 1043 with serine.
Molecular consequence: missense variant.
Genome position (GRCh38, 1-based): chr2:237,374,964, C>T on the plus strand (G>A on the coding strand, the complement: COL6A3 is on the minus strand). VCF-style: chr2-237374964-C-T. GRCh37 (hg19) VCF-style: chr2-238283607-C-T.
Other names: c.1906G>A, p.Gly636Ser (NM_057164.5); c.2509G>A, p.Gly837Ser (NM_057165.5, NM_057167.4); c.1306G>A, p.Gly436Ser (NM_057166.5); c.3127G>A (NM_004369.3); short protein forms G1043S, G436S, G636S, G837S.
Identifiers: ClinVar variation 1056700 (VCV001056700.8), dbSNP rs748313591, ClinGen allele CA67823966.

ClinVar aggregate classification (germline): Uncertain significance. Review status: criteria provided, multiple submitters, no conflicts (2 of 4 stars). 2 submissions from 2 submitters: Uncertain significance (2). Last evaluated 2025-10-18.

Conditions:
Inborn genetic diseases. Identifiers: MedGen C0950123, MeSH D030342.
Bethlem myopathy 1A. Also called: Bethlem Muscular Dystrophy; MYOPATHY, BENIGN CONGENITAL, WITH CONTRACTURES; Bethlem myopathy 1. Identifiers: Orphanet 610, MedGen CN029274, MONDO:0024530, OMIM 158810.

Allele frequency attached by ClinVar (database versions not stated): gnomAD 0.00001; TOPMed 0.00001.
gnomAD v4.1: 12 of 1,613,784 alleles (0.00074%); highest among the groups gnomAD compares: Admixed American, 0.005%; no homozygotes.

Submissions (2):

Ambry Genetics
Classification: Uncertain significance for Inborn genetic diseases. Last evaluated: 2025-10-18. Review status: criteria provided, single submitter. Criteria: Ambry Variant Classification Scheme 2023. Collection method: clinical testing. Allele origin: germline.

Labcorp Genetics (formerly Invitae), Labcorp
Classification: Uncertain significance for Bethlem myopathy 1A. Last evaluated: 2024-04-15. Review status: criteria provided, single submitter. Criteria: Invitae Variant Classification Sherloc (09022015). Collection method: clinical testing. Allele origin: germline.
Comment: This sequence change replaces glycine, which is neutral and non-polar, with serine, which is neutral and polar, at codon 1043 of the COL6A3 protein (p.Gly1043Ser). This variant is present in population databases (no rsID available, gnomAD 0.003%). This variant has not been reported in the literature in individuals affected with COL6A3-related conditions. ClinVar contains an entry for this variant (Variation ID: 1056700). Advanced modeling of protein sequence and biophysical properties (such as structural, functional, and spatial information, amino acid conservation, physicochemical variation, residue mobility, and thermodynamic stability) performed at Invitae indicates that this missense variant is not expected to disrupt COL6A3 protein function with a negative predictive value of 80%. In summary, the available evidence is currently insufficient to determine the role of this variant in disease. Therefore, it has been classified as a Variant of Uncertain Significance.